The following is an entry in ClinVar:

NM_000208.4(INSR):c.2595C>T (p.Asn865=)

Gene: INSR (insulin receptor; minus strand). Cytogenetic location: 19p13.2.
Variant type: single nucleotide variant.
Coding change: c.2595C>T on transcript NM_000208.4 (MANE Select); coding-DNA position 2595, C replaced by T.
Protein change: p.Asn865=; no amino-acid change (asparagine 865 retained).
Molecular consequence: synonymous variant.
Genome position (GRCh38, 1-based): chr19:7,141,764, G>A on the plus strand (C>T on the coding strand, the complement: INSR is on the minus strand). VCF-style: chr19-7141764-G-A. GRCh37 (hg19) VCF-style: chr19-7141775-G-A.
Other names: c.2559C>T, p.Asn853= (NM_001079817.3).
Identifiers: ClinVar variation 330454 (VCV000330454.24), dbSNP rs2229431, ClinGen allele CA9135505.
Genomic context (GRCh38, chr19:7,141,764, plus strand): 5'-TTCATACAGCACGATCAGACCATTGGGCTCCTTCGGCTCCTGCCACATCAAGTGGACGAC[G>A]TTGTTCTCAAAGATTTCATGCGTCACAGGGCCAACAATGTCATCAGCCTTGGCTGTAAGG-3'
Protein context (NP_000199.2, residues 855-875): GPVTHEIFEN[Asn865=]VVHLMWQEPK

ClinVar aggregate classification (germline): Benign. Review status: criteria provided, multiple submitters, no conflicts (2 of 4 stars). 8 submissions from 6 submitters: Benign (8). Last evaluated 2026-01-27.

Conditions:
Insulin-resistant diabetes mellitus AND acanthosis nigricans. Also called: type A insulin resistance; DIABETES MELLITUS, INSULIN-RESISTANT, WITH ACANTHOSIS NIGRICANS, TYPE A; INSULIN RECEPTOR, DEFECT IN, WITH INSULIN-RESISTANT DIABETES MELLITUS AND ACANTHOSIS NIGRICANS; IRAN, TYPE A; Insulin-resistance syndrome type A. Identifiers: Orphanet 2297, MedGen C0342278, MONDO:0012520, OMIM 610549.
Rabson-Mendenhall syndrome. Also called: Pineal Hyperplasia, Insulin-Resistant Diabetes Mellitus, and Somatic Abnormalities; MENDENHALL SYNDROME; Pineal hyperplasia AND diabetes mellitus syndrome. Identifiers: Orphanet 769, MedGen C0271695, MONDO:0009874, OMIM 262190.
Leprechaunism syndrome. Also called: LEPRECHAUNISM; Donohue syndrome. Identifiers: Orphanet 508, MedGen C0265344, MONDO:0009517, OMIM 246200.

Allele frequency attached by ClinVar (database versions not stated): gnomAD exomes 0.05501 and 0.06108; ExAC 0.06150; gnomAD 0.08234 and 0.08453; TOPMed 0.08581; 1000 Genomes Project 0.08686; ESP Exome Variant Server 0.08957.
gnomAD v4.1: 93,160 of 1,614,032 alleles (5.8%); highest among the groups gnomAD compares: African/African-American, 16%; 3,258 homozygotes.

Submissions (8):

Labcorp Genetics (formerly Invitae), Labcorp
Classification: Benign. Last evaluated: 2026-01-27. Review status: criteria provided, single submitter. Criteria: Invitae Variant Classification Sherloc (09022015). Collection method: clinical testing. Allele origin: germline.

Blueprint Genetics
Classification: Benign. Last evaluated: 2024-11-27. Review status: criteria provided, single submitter. Criteria: ACMG Guidelines, 2015. Collection method: clinical testing. Allele origin: germline.

GeneDx
Classification: Benign. Last evaluated: 2021-06-10. Review status: criteria provided, single submitter. Criteria: GeneDx Variant Classification Process June 2021. Collection method: clinical testing. Allele origin: germline. Affected: yes.

ARUP Laboratories, Molecular Genetics and Genomics, ARUP Laboratories
Classification: Benign. Last evaluated: 2021-02-04. Review status: criteria provided, single submitter. Criteria: ARUP Molecular Germline Variant Investigation Process 2021. Collection method: clinical testing. Allele origin: germline.

Illumina Laboratory Services, Illumina
Classification: Benign for Rabson-Mendenhall syndrome. Last evaluated: 2018-01-12. Review status: criteria provided, single submitter. Criteria: ICSL Variant Classification Criteria 13 December 2019. Collection method: clinical testing. Allele origin: germline.
Comment: This variant was observed in the ICSL laboratory as part of a predisposition screen in an ostensibly healthy population. It had not been previously curated by ICSL or reported in the Human Gene Mutation Database (HGMD: prior to June 1st, 2018), and was therefore a candidate for classification through an automated scoring system. Utilizing variant allele frequency, disease prevalence and penetrance estimates, and inheritance mode, an automated score was calculated to assess if this variant is too frequent to cause the disease. Based on the score and internal cut-off values, a variant classified as benign is not then subjected to further curation. The score for this variant resulted in a classification of benign for this disease.

Illumina Laboratory Services, Illumina
Classification: Benign for Insulin-resistant diabetes mellitus AND acanthosis nigricans. Last evaluated: 2018-01-12. Review status: criteria provided, single submitter. Criteria: ICSL Variant Classification Criteria 13 December 2019. Collection method: clinical testing. Allele origin: germline.
Comment: the same text as in the submission from Illumina Laboratory Services, Illumina above.

Illumina Laboratory Services, Illumina
Classification: Benign for Leprechaunism syndrome. Last evaluated: 2018-01-12. Review status: criteria provided, single submitter. Criteria: ICSL Variant Classification Criteria 13 December 2019. Collection method: clinical testing. Allele origin: germline.
Comment: the same text as in the submission from Illumina Laboratory Services, Illumina above.

Breakthrough Genomics
Classification: Benign. Review status: criteria provided, single submitter. Criteria: ACMG Guidelines, 2015. Collection method: not provided. Allele origin: germline. Inheritance: Autosomal recessive inheritance. Affected: yes.